The following is an entry in ClinVar:

ClinVar aggregate classification (germline): Uncertain significance (1 of 4 stars; one submission).

Conditions:
Kabuki syndrome. Also called: NIIKAWA-KUROKI SYNDROME; Kabuki make-up syndrome. Identifiers: Orphanet 2322, MedGen C0796004, MONDO:0016512.

Submission:

Labcorp Genetics (formerly Invitae), Labcorp
Classification: Uncertain significance for Kabuki syndrome. Last evaluated: 2025-09-02. Review status: criteria provided, single submitter. Criteria: Invitae Variant Classification Sherloc (09022015). Collection method: clinical testing. Allele origin: germline.
Comment: This sequence change replaces glutamine, which is neutral and polar, with lysine, which is basic and polar, at codon 2174 of the KMT2D protein (p.Gln2174Lys). This variant is not present in population databases (gnomAD no frequency). This variant has not been reported in the literature in individuals affected with KMT2D-related conditions. ClinVar contains an entry for this variant (Variation ID: 1939351). Invitae Evidence Modeling of protein sequence and biophysical properties (such as structural, functional, and spatial information, amino acid conservation, physicochemical variation, residue mobility, and thermodynamic stability) indicates that this missense variant is not expected to disrupt KMT2D protein function with a negative predictive value of 95%. In summary, the available evidence is currently insufficient to determine the role of this variant in disease. Therefore, it has been classified as a Variant of Uncertain Significance.

NM_003482.4(KMT2D):c.6520C>A (p.Gln2174Lys)

Gene: KMT2D (lysine methyltransferase 2D; minus strand). Cytogenetic location: 12q13.12.
Variant type: single nucleotide variant.
Coding change: c.6520C>A on transcript NM_003482.4 (MANE Select); coding-DNA position 6520, C replaced by A.
Protein change: p.Gln2174Lys; replaces glutamine 2174 with lysine.
Molecular consequence: missense variant.
Genome position (GRCh38, 1-based): chr12:49,041,250, G>T on the plus strand (C>A on the coding strand, the complement: KMT2D is on the minus strand). VCF-style: chr12-49041250-G-T. GRCh37 (hg19) VCF-style: chr12-49435033-G-T.
Other names: short protein forms Q2174K.
Identifiers: ClinVar variation 1939351 (VCV001939351.5), dbSNP rs2498402792, ClinGen allele CA384750586.